The following is an entry in ClinVar:

ClinVar aggregate classification (germline): Pathogenic/Likely pathogenic. Review status: criteria provided, multiple submitters, no conflicts (2 of 4 stars). 9 submissions from 9 submitters: Pathogenic (7); Likely pathogenic (1). 1 of the submissions does not count toward it. Last evaluated 2025-05-21.

Conditions:
GJB2-related disorder. Also called: GJB2-related condition; GJB2-related disorders. Identifiers: MedGen CN382183, MONDO:1060236.
Nonsyndromic genetic hearing loss. Also called: Non-syndromic genetic deafness; Nonsyndromic hearing loss and deafness; Nonsyndromic genetic deafness. Identifiers: Orphanet 87884, MedGen C5680182, MONDO:0019497.
Autosomal recessive nonsyndromic hearing loss 1A (DFNB1A). Also called: Nonsyndromic Hearing Loss and Deafness, DFNB1; Connexin 26 deafness; Deafness nonsyndromic, Connexin 26 linked; GJB2-Related Autosomal Recessive Nonsyndromic Hearing Loss; GJB6-Related DFNB 1 Nonsyndromic Hearing Loss and Deafness; Deafness, autosomal recessive 1A. Identifiers: Orphanet 90636, MedGen C2673759, MONDO:0009076, OMIM 220290.
Hearing impairment. Also called: Impaired Hearing. Identifiers: MedGen C1384666, MONDO:0005365, HP:0000365.

Submissions (9):

Myriad Genetics, Inc.
Classification: Likely pathogenic for Nonsyndromic genetic hearing loss. Last evaluated: 2025-05-21. Review status: criteria provided, single submitter. Criteria: Myriad Autosomal Dominant, Autosomal Recessive and X-Linked Classification Criteria (2023). Collection method: clinical testing. Allele origin: unknown.
Comment: NM_004004.5(GJB2):c.632_633delGT(C211Lfs*5) is a frameshift variant classified as likely pathogenic in the context of nonsyndromic hearing loss, GJB2-related. C211Lfs*5 has been observed in cases with relevant disease (PMID: 10049954, 12910486, 12925341, 17666888). Relevant functional assessments of this variant are available in the literature (PMID: 20863150). C211Lfs*5 has been observed in referenced population frequency databases. In summary, NM_004004.5(GJB2):c.632_633delGT(C211Lfs*5) is a frameshift variant that has been observed more frequently in cases with the relevant disease than in healthy populations. Please note: this variant was assessed in the context of healthy population screening.

Natera, Inc.
Classification: Pathogenic for Autosomal recessive deafness type 1A. Last evaluated: 2024-04-03. Review status: criteria provided, single submitter. Criteria: Natera Variant Classification Schema (03/2026). Collection method: clinical testing. Allele origin: germline.
Comment: The c.632_633delGT variant in GJB2 is a frameshift variant predicted to shift the reading frame beginning at codon 211 and leads to a stop codon 5 codons downstream. This variant may result in a truncated or dysfunctional protein product. This variant is rare in the general population with a frequency below the threshold expected for the associated phenotype(s). This variant has been observed in one or more individuals affected with the associated recessive disease, as either homozygous or compound heterozygous with a second variant (PMID: 12925341, 9529365, 12910486). Additionally, this variant has been observed to segregate in affected family members (PMID: 12925341, 9529365). Given the available evidence, this variant is classified as Pathogenic.

GeneDx
Classification: Pathogenic. Last evaluated: 2024-03-29. Review status: criteria provided, single submitter. Criteria: GeneDx Variant Classification Process June 2021. Collection method: clinical testing. Allele origin: germline. Affected: yes.
Comment: Observed with a pathogenic variant on the opposite allele (in trans) or phase unknown in multiple patients with sensorineural hearing loss referred for genetic testing at GeneDx and in published literature (PMID: 9529365, 12910486); Frameshift variant predicted to result in protein truncation, as the last 16 amino acids are replaced with 4 different amino acids, and other loss-of-function variants have been reported downstream in the Human Gene Mutation Database (HGMD); Published functional studies demonstrate this variant impairs gap junction functions (PMID: 20863150); Not observed at significant frequency in large population cohorts (gnomAD); This variant is associated with the following publications: (PMID: 17666888, 10049954, 12910486, 9529365, 20863150)

Labcorp Genetics (formerly Invitae), Labcorp
Classification: Pathogenic. Last evaluated: 2023-10-05. Review status: criteria provided, single submitter. Criteria: Invitae Variant Classification Sherloc (09022015). Collection method: clinical testing. Allele origin: germline.
Comment: This sequence change creates a premature translational stop signal (p.Cys211Leufs*5) in the GJB2 gene. While this is not anticipated to result in nonsense mediated decay, it is expected to disrupt the last 16 amino acid(s) of the GJB2 protein. This variant is present in population databases (rs587783646, gnomAD 0.0009%). This premature translational stop signal has been observed in individual(s) with autosomal recessive deafness (PMID: 9529365, 12910486). In at least one individual the data is consistent with being in trans (on the opposite chromosome) from a pathogenic variant. This variant is also known as 631–632del. ClinVar contains an entry for this variant (Variation ID: 158608). Algorithms developed to predict the effect of variants on protein structure and function are not available or were not evaluated for this variant. Experimental studies have shown that this premature translational stop signal affects GJB2 function (PMID: 20863150). For these reasons, this variant has been classified as Pathogenic.

PreventionGenetics, part of Exact Sciences
Classification: Pathogenic for GJB2-related condition. Last evaluated: 2023-10-04. Review status: criteria provided, single submitter. Criteria: ACMG Guidelines, 2015. Collection method: clinical testing. Allele origin: germline.
Comment: The GJB2 c.632_633delGT variant is predicted to result in a frameshift and premature protein termination (p.Cys211Leufs*5). This variant was reported as pathogenic for autosomal recessive hearing loss (Kelley. 1998. PubMed ID: 9529365; Xiao. 2010. PubMed ID: 20863150). This variant is reported in 0.00089% of alleles in individuals of European (Non-Finnish) descent in gnomAD. Frameshift variants in GJB2 are expected to be pathogenic. This variant is interpreted as pathogenic.

Victorian Clinical Genetics Services, Murdoch Childrens Research Institute
Classification: Pathogenic for Autosomal recessive nonsyndromic hearing loss 1A. Last evaluated: 2020-05-26. Review status: criteria provided, single submitter. Criteria: ACMG Guidelines, 2015. Collection method: clinical testing. Allele origin: germline. Inheritance: Autosomal recessive inheritance. Affected: yes.
Comment: Based on the classification scheme VCGS_Germline_v1.1.1, this variant is classified as Pathogenic. Following criteria are met: 0102 - Loss-of-function is a known mechanism of disease for this gene. (N) 0104 - Dominant Negative is a mechanism of disease for this gene. (N) 0108 - This gene is known to be associated with both recessive and dominant disease (OMIM). (N) 0112 - Variants in this gene are known to have reduced penetrance (PMID:17935238). (N) 0205 - Variant is predicted to result in a truncated protein with less than 1/3 of the protein affected (exon 2 of 2). (P) 0251 - Variant is heterozygous. (N) 0304 - Variant is present in gnomAD <0.01 for a recessive condition (1 heterozygote, 0 homozygotes). (P) 0600 - Variant is located in an annotated domain or motif. A small region of the connexin domain (PDB) is predicted to be lost. (N) 0705 - No comparable variants have previous evidence for pathogenicity. One protein truncating variant downstream has been reported as a variant of uncertain significance (ClinVar). (N) 0801 - Strong previous evidence of pathogenicity in unrelated individuals. This variant has been reported in multiple unrelated patients with autosomal recessive non-syndromic hearing loss (PMIDs: 9529365, 17666888 and 28405014), and as pathogenic in ClinVar and the Deafness Variation Database. (P) 1002 - Moderate functional evidence supporting abnormal protein function. Functional study showed the mutant protein had impaired cellular localisation (PMID:20863150). (P) 1208 - Inheritance information for this variant is not currently available. (N) Legend: (P) - Pathogenic, (N) - Neutral, (B) - Benign

Eurofins Ntd Llc (ga)
Classification: Pathogenic. Last evaluated: 2016-12-06. Review status: criteria provided, single submitter. Criteria: EGL Classification Definitions 2015. Collection method: clinical testing. Allele origin: germline.

Genetic Services Laboratory, University of Chicago
Classification: Pathogenic for Hearing impairment. Last evaluated: 2013-02-08. Review status: criteria provided, single submitter. Criteria: ACMG Guidelines, 2007. Collection method: clinical testing. Allele origin: germline. Inheritance: Autosomal recessive inheritance. Affected: yes.

Counsyl
Classification: Likely pathogenic for Deafness, autosomal recessive 1A. Last evaluated: 2014-12-17. Review status: no assertion criteria provided. Collection method: literature only. Allele origin: unknown. Inheritance: Autosomal recessive inheritance. Not counted in ClinVar's aggregate classification.

Literature cited by the submitters: PubMed 10049954 (cited by Myriad Genetics, Inc. and Counsyl); PubMed 12910486 (cited by 4 submitters); PubMed 12925341 (cited by Myriad Genetics, Inc. and Natera, Inc.); PubMed 17666888 (cited by 3 submitters); PubMed 20863150 (cited by 4 submitters); PubMed 9529365 (cited by 4 submitters); PubMed 17935238 (cited by Victorian Clinical Genetics Services, Murdoch Childrens Research Institute); PubMed 28405014 (cited by Victorian Clinical Genetics Services, Murdoch Childrens Research Institute).

NM_004004.6(GJB2):c.632_633del (p.Cys211fs)

Gene: GJB2 (gap junction protein beta 2; minus strand). Cytogenetic location: 13q12.11.
Variant type: Microsatellite.
Coding change: c.632_633del on transcript NM_004004.6 (MANE Select); coding-DNA positions 632 to 633, 2 bases deleted (GT; older notation c.632_633delGT).
Protein change: p.Cys211fs; shifts the reading frame from cysteine 211.
Molecular consequence: frameshift variant.
Genome position (GRCh38, 1-based): chr13:20,188,949-20,188,950, AC deleted on the plus strand (GT on the coding strand, the reverse complement: GJB2 is on the minus strand); deleting any 2 consecutive bases within chr13:20,188,949-20,188,953 gives the same sequence; the c. name uses the placement nearest the transcript's 3' end. VCF-style (leftmost placement, unchanged base first): chr13-20188948-AAC-A. GRCh37 (hg19) VCF-style: chr13-20763087-AAC-A.
Other names: c.632_633delGT (NM_004004.6); short protein forms C211fs.
Identifiers: ClinVar variation 158608 (VCV000158608.30), dbSNP rs587783646, ClinGen allele CA172238.
Genomic context (GRCh38, chr13:20,188,948, plus strand): 5'-ACTGGGCAATGCGTTAAACTGGCTTTTTTGACTTCCCAGAACAATATCTAATTAGCAAAT[AAC>A]ACAATTCAGTGACATTCAGCAGGATGCAAATTCCAGACACTGCAATCATGAACACTGTGA-3'